The following is an entry in ClinVar:

ClinVar aggregate classification (germline): Conflicting classifications of pathogenicity. Review status: criteria provided, conflicting classifications (1 of 4 stars). 8 submissions from 8 submitters: Uncertain significance (1); Benign (3); Likely benign (3). 1 of the submissions does not count toward it. Last evaluated 2026-10-01.

Conditions:
RB1-related disorder. Also called: RB1-related condition.
Hereditary cancer-predisposing syndrome. Also called: Hereditary neoplastic syndrome; Tumor predisposition; Neoplastic Syndromes, Hereditary; Hereditary Cancer Syndrome. Identifiers: Orphanet 140162, MedGen C0027672, MeSH D009386, MONDO:0015356.
Retinoblastoma (RB1). Also called: RETINOBLASTOMA, SOMATIC. Identifiers: Orphanet 790, MedGen C0035335, MeSH D012175, MONDO:0008380, OMIM 180200, HP:0009919. Disease mechanism: loss of function. Inheritance: Both sporadic and heritable forms are tested..

Allele frequency attached by ClinVar (database versions not stated): 1000 Genomes Project 30x 0.01499; ExAC 0.00015; gnomAD exomes 0.00318; gnomAD 0.01303 and 0.01386.

Submissions (8):

CeGaT Center for Human Genetics Tuebingen
Classification: Likely benign. Last evaluated: 2026-10-01. Review status: criteria provided, single submitter. Criteria: CeGaT Center For Human Genetics Tuebingen Variant Classification Criteria Version 2. Collection method: clinical testing. Allele origin: germline. Affected: yes. Observed: 9 variant alleles.
Comment: RB1: BS1

Labcorp Genetics (formerly Invitae), Labcorp
Classification: Benign for Retinoblastoma. Last evaluated: 2026-02-04. Review status: criteria provided, single submitter. Criteria: Invitae Variant Classification Sherloc (09022015). Collection method: clinical testing. Allele origin: germline.

Myriad Genetics, Inc.
Classification: Benign for Retinoblastoma. Last evaluated: 2025-12-02. Review status: criteria provided, single submitter. Criteria: Myriad Autosomal Dominant, Autosomal Recessive and X-Linked Classification Criteria (2023). Collection method: clinical testing. Allele origin: unknown.
Comment: This variant is considered benign. This variant has been observed at a population frequency that is significantly greater than expected given the associated disease prevalence and penetrance. Homozygosity has been confirmed in one or more individuals. As homozygosity for pathogenic variants in this gene is generally assumed to result in embryonic lethality, this variant is unlikely to be pathogenic.

Genetic Diagnostic Laboratory, University of Pennsylvania School of Medicine
Classification: Likely benign for Retinoblastoma. Last evaluated: 2024-05-20. Review status: criteria provided, single submitter. Criteria: ACMG Guidelines, 2015. Collection method: clinical testing. Allele origin: germline. Affected: yes. Observed: 1 variant allele.
Comment: Case and Pedigree Information: BILATERAL CASES:1, UNILATERAL CASES:0, TOTAL CASES:1, PEDIGREES:1. ACMG Codes Applied:BS1, BP4

Sema4
Classification: Benign for Hereditary cancer-predisposing syndrome. Last evaluated: 2020-11-17. Review status: criteria provided, single submitter. Criteria: Sema4 Curation Guidelines. Collection method: curation. Allele origin: germline.

GeneDx
Classification: Likely benign. Last evaluated: 2017-11-24. Review status: criteria provided, single submitter. Criteria: GeneDx Variant Classification (06012015). Collection method: clinical testing. Allele origin: germline. Affected: yes.
Comment: This variant is considered likely benign or benign based on one or more of the following criteria: it is a conservative change, it occurs at a poorly conserved position in the protein, it is predicted to be benign by multiple in silico algorithms, and/or has population frequency not consistent with disease.

Eurofins Ntd Llc (ga)
Classification: Uncertain significance. Last evaluated: 2014-03-19. Review status: criteria provided, single submitter. Criteria: EGL Classification Definitions 2015. Collection method: clinical testing. Allele origin: germline. Observed: 1 variant allele, 1 homozygote.

PreventionGenetics, part of Exact Sciences
Classification: Benign for RB1-related condition. Last evaluated: 2019-06-19. Review status: no assertion criteria provided. Collection method: clinical testing. Allele origin: germline. Not counted in ClinVar's aggregate classification.
Comment: This variant is classified as benign based on ACMG/AMP sequence variant interpretation guidelines (Richards et al. 2015 PMID: 25741868, with internal and published modifications).

NM_000321.3(RB1):c.2212-16T>A

Gene: RB1 (RB transcriptional corepressor 1; plus strand). Cytogenetic location: 13q14.2.
Variant type: single nucleotide variant.
Coding change: c.2212-16T>A on transcript NM_000321.3 (MANE Select); 16 bases into the intron before coding-DNA position 2212, T replaced by A.
Molecular consequence: intron variant.
Genome position (GRCh38, 1-based): chr13:48,464,982, T>A. VCF-style: chr13-48464982-T-A. GRCh37 (hg19) VCF-style: chr13-49039118-T-A.
Identifiers: ClinVar variation 167568 (VCV000167568.24), dbSNP rs201258424, ClinGen allele CA026431.